The following is an entry in ClinVar:

NM_005060.4(RORC):c.695G>A (p.Arg232His)

Gene: RORC (RAR related orphan receptor C; minus strand). Cytogenetic location: 1q21.3.
Variant type: single nucleotide variant.
Coding change: c.695G>A on transcript NM_005060.4 (MANE Select); coding-DNA position 695, G replaced by A.
Protein change: p.Arg232His; replaces arginine 232 with histidine.
Molecular consequence: missense variant.
Genome position (GRCh38, 1-based): chr1:151,815,029, C>T on the plus strand (G>A on the coding strand, the complement: RORC is on the minus strand). VCF-style: chr1-151815029-C-T. GRCh37 (hg19) VCF-style: chr1-151787505-C-T.
Other names: c.632G>A, p.Arg211His (NM_001001523.2); c.695G>A (NM_005060.3); short protein forms R211H, R232H.
Identifiers: ClinVar variation 3611365 (VCV003611365.3).

ClinVar aggregate classification (germline): Conflicting classifications of pathogenicity. Review status: criteria provided, conflicting classifications (1 of 4 stars). 2 submissions from 2 submitters: Uncertain significance (1); Likely benign (1). Last evaluated 2025-12-15.

Conditions:
Inborn genetic diseases. Identifiers: MedGen C0950123, MeSH D030342.
Autosomal recessive mendelian susceptibility to mycobacterial diseases due to complete RORgamma receptor deficiency. Also called: Immunodeficiency 42. Identifiers: Orphanet 477857, MedGen C5567647, MONDO:0014710, OMIM 616622.

gnomAD v4.1: 18 of 1,614,240 alleles (0.0011%); highest among the groups gnomAD compares: Middle Eastern, 0.016%; no homozygotes.

Submissions (2):

Ambry Genetics
Classification: Likely benign for Inborn genetic diseases. Last evaluated: 2025-12-15. Review status: criteria provided, single submitter. Criteria: Ambry Variant Classification Scheme 2023. Collection method: clinical testing. Allele origin: germline.

Labcorp Genetics (formerly Invitae), Labcorp
Classification: Uncertain significance for Autosomal recessive mendelian susceptibility to mycobacterial diseases due to complete RORgamma receptor deficiency. Last evaluated: 2024-10-31. Review status: criteria provided, single submitter. Criteria: Invitae Variant Classification Sherloc (09022015). Collection method: clinical testing. Allele origin: germline.
Comment: This sequence change replaces arginine, which is basic and polar, with histidine, which is basic and polar, at codon 232 of the RORC protein (p.Arg232His). This variant is present in population databases (rs756789106, gnomAD 0.002%). This variant has not been reported in the literature in individuals affected with RORC-related conditions. An algorithm developed to predict the effect of missense changes on protein structure and function outputs the following: PolyPhen-2: "Benign". The histidine amino acid residue is found in multiple mammalian species, which suggests that this missense change does not adversely affect protein function. In summary, the available evidence is currently insufficient to determine the role of this variant in disease. Therefore, it has been classified as a Variant of Uncertain Significance.